The following is an entry in ClinVar:

ClinVar aggregate classification (germline): Uncertain significance. Review status: criteria provided, multiple submitters, no conflicts (2 of 4 stars). 2 submissions from 2 submitters: Uncertain significance (2). Last evaluated 2025-06-12.

Allele frequency attached by ClinVar (database versions not stated): gnomAD exomes below 0.00001; gnomAD 0.00001; TOPMed 0.00001; ExAC 0.00002.

Submissions (2):

Labcorp Genetics (formerly Invitae), Labcorp
Classification: Uncertain significance. Last evaluated: 2025-06-12. Review status: criteria provided, single submitter. Criteria: Invitae Variant Classification Sherloc (09022015). Collection method: clinical testing. Allele origin: germline.
Comment: This sequence change replaces arginine, which is basic and polar, with histidine, which is basic and polar, at codon 121 of the SRP72 protein (p.Arg121His). This variant is present in population databases (rs756816276, gnomAD 0.006%). This variant has not been reported in the literature in individuals affected with SRP72-related conditions. ClinVar contains an entry for this variant (Variation ID: 2190806). Invitae Evidence Modeling of protein sequence and biophysical properties (such as structural, functional, and spatial information, amino acid conservation, physicochemical variation, residue mobility, and thermodynamic stability) indicates that this missense variant is expected to disrupt SRP72 protein function with a positive predictive value of 80%. In summary, the available evidence is currently insufficient to determine the role of this variant in disease. Therefore, it has been classified as a Variant of Uncertain Significance.

Ambry Genetics
Classification: Uncertain significance. Last evaluated: 2025-03-28. Review status: criteria provided, single submitter. Criteria: Ambry Variant Classification Scheme 2023. Collection method: clinical testing. Allele origin: germline.

NM_006947.4(SRP72):c.362G>A (p.Arg121His)

Gene: SRP72 (signal recognition particle 72; plus strand). Cytogenetic location: 4q12.
Variant type: single nucleotide variant.
Coding change: c.362G>A on transcript NM_006947.4 (MANE Select); coding-DNA position 362, G replaced by A.
Protein change: p.Arg121His; replaces arginine 121 with histidine.
Molecular consequence: missense variant. On other transcripts: non-coding transcript variant (1).
Genome position (GRCh38, 1-based): chr4:56,474,061, G>A. VCF-style: chr4-56474061-G-A. GRCh37 (hg19) VCF-style: chr4-57340227-G-A.
Other names: c.362G>A, p.Arg121His (NM_001267722.2); c.362G>A (NM_006947.3); short protein forms R121H.
Identifiers: ClinVar variation 2190806 (VCV002190806.5), dbSNP rs756816276, ClinGen allele CA2931052.